The following is an entry in ClinVar:

ClinVar aggregate classification (germline): Benign/Likely benign. Review status: criteria provided, multiple submitters, no conflicts (2 of 4 stars). 4 submissions from 4 submitters: Benign (1); Likely benign (3). Last evaluated 2026-01-20.

Conditions:
MOGS-congenital disorder of glycosylation. Also called: CDG IIb; MOGS-CDG; GLUCOSIDASE I DEFICIENCY; CDG 2B. Identifiers: Orphanet 79330, MedGen C1853736, MONDO:0011629, OMIM 606056.

Allele frequency attached by ClinVar (database versions not stated): gnomAD 0.00016 and 0.00026; TOPMed 0.00019; gnomAD exomes 0.00023 and 0.00038; ExAC 0.00041; 1000 Genomes Project 0.00140; 1000 Genomes Project 30x 0.00141.
gnomAD v4.1: 367 of 1,614,180 alleles (0.023%); highest among the groups gnomAD compares: East Asian, 0.76%; 2 homozygotes.

Submissions (4):

Labcorp Genetics (formerly Invitae), Labcorp
Classification: Benign for MOGS-congenital disorder of glycosylation. Last evaluated: 2026-01-20. Review status: criteria provided, single submitter. Criteria: Invitae Variant Classification Sherloc (09022015). Collection method: clinical testing. Allele origin: germline.

Blueprint Genetics
Classification: Likely benign. Last evaluated: 2024-10-22. Review status: criteria provided, single submitter. Criteria: ACMG Guidelines, 2015. Collection method: clinical testing. Allele origin: germline.

CeGaT Center for Human Genetics Tuebingen
Classification: Likely benign. Last evaluated: 2022-02-01. Review status: criteria provided, single submitter. Criteria: CeGaT Center For Human Genetics Tuebingen Variant Classification Criteria Version 2. Collection method: clinical testing. Allele origin: germline. Affected: yes. Observed: 1 variant allele.

GeneDx
Classification: Likely benign. Last evaluated: 2017-12-14. Review status: criteria provided, single submitter. Criteria: GeneDx Variant Classification (06012015). Collection method: clinical testing. Allele origin: germline. Affected: yes.
Comment: This variant is considered likely benign or benign based on one or more of the following criteria: it is a conservative change, it occurs at a poorly conserved position in the protein, it is predicted to be benign by multiple in silico algorithms, and/or has population frequency not consistent with disease.

NM_006302.3(MOGS):c.1587C>T (p.Asp529=)

Gene: MOGS (mannosyl-oligosaccharide glucosidase; minus strand). Cytogenetic location: 2p13.1.
Variant type: single nucleotide variant.
Coding change: c.1587C>T on transcript NM_006302.3 (MANE Select); coding-DNA position 1587, C replaced by T.
Protein change: p.Asp529=; no amino-acid change (aspartic acid 529 retained).
Molecular consequence: synonymous variant.
Genome position (GRCh38, 1-based): chr2:74,462,202, G>A on the plus strand (C>T on the coding strand, the complement: MOGS is on the minus strand). VCF-style: chr2-74462202-G-A. GRCh37 (hg19) VCF-style: chr2-74689329-G-A.
Other names: c.1587C>T, p.Asp529= (LRG_1226t1); c.1269C>T, p.Asp423= (NM_001146158.2).
Identifiers: ClinVar variation 337108 (VCV000337108.43), dbSNP rs190772368, ClinGen allele CA1724758.
Genomic context (GRCh38, chr2:74,462,202, plus strand): 5'-ATGGAGCCAGGAAAACCAGGCATGCAGGCGGGGCAAGGCCTTTCGGAGGAAAGCCAAGTC[G>A]TCAGGGTCACCAACCTCTAGCATATGGGCTACAGGCAAAAGTAGGGTTGGGGGGTTGGCG-3'
Protein context (NP_006293.2, residues 519-539): VAHMLEVGDP[Asp529=]DLAFLRKALP